The following is an entry in ClinVar:

NM_001035.3(RYR2):c.5348C>T (p.Pro1783Leu)

Gene: RYR2 (ryanodine receptor 2; plus strand). Cytogenetic location: 1q43.
Variant type: single nucleotide variant.
Coding change: c.5348C>T on transcript NM_001035.3 (MANE Select); coding-DNA position 5348, C replaced by T.
Protein change: p.Pro1783Leu; replaces proline 1783 with leucine.
Molecular consequence: missense variant.
Genome position (GRCh38, 1-based): chr1:237,614,476, C>T. VCF-style: chr1-237614476-C-T. GRCh37 (hg19) VCF-style: chr1-237777776-C-T.
Other names: short protein forms P1783L.
Identifiers: ClinVar variation 3369732 (VCV003369732.1).

ClinVar aggregate classification (germline): Uncertain significance (1 of 4 stars; one submission).

Submission:

GeneDx
Classification: Uncertain significance. Last evaluated: 2024-02-23. Review status: criteria provided, single submitter. Criteria: GeneDx Variant Classification Process June 2021. Collection method: clinical testing. Allele origin: germline. Affected: yes.
Comment: Not observed at significant frequency in large population cohorts (gnomAD); In silico analysis supports that this missense variant has a deleterious effect on protein structure/function; Has not been previously published as pathogenic or benign to our knowledge